The following is an entry in ClinVar:

ClinVar aggregate classification (germline): Uncertain significance (1 of 4 stars; one submission).

Conditions:
Progressive sclerosing poliodystrophy (MTDPS4A). Also called: Mitochondrial DNA Depletion Syndrome 4A; ALPERS PROGRESSIVE INFANTILE POLIODYSTROPHY; NEURONAL DEGENERATION OF CHILDHOOD WITH LIVER DISEASE, PROGRESSIVE; Mitochondrial DNA depletion syndrome 4A (Alpers type); Alpers-Huttenlocher Syndrome (AHS); Alpers Syndrome. Identifiers: Orphanet 726, MedGen C0205710, MONDO:0008758, OMIM 203700.

Allele frequency attached by ClinVar (database versions not stated): gnomAD exomes below 0.00001.
gnomAD v4.1: 3 of 1,613,898 alleles (0.00019%); highest among the groups gnomAD compares: African/African-American, 0.0013%; no homozygotes.

Submission:

Labcorp Genetics (formerly Invitae), Labcorp
Classification: Uncertain significance for Progressive sclerosing poliodystrophy. Last evaluated: 2022-10-10. Review status: criteria provided, single submitter. Criteria: Invitae Variant Classification Sherloc (09022015). Collection method: clinical testing. Allele origin: germline.
Comment: In summary, the available evidence is currently insufficient to determine the role of this variant in disease. Therefore, it has been classified as a Variant of Uncertain Significance. Advanced modeling of protein sequence and biophysical properties (such as structural, functional, and spatial information, amino acid conservation, physicochemical variation, residue mobility, and thermodynamic stability) has been performed at Invitae for this missense variant, however the output from this modeling did not meet the statistical confidence thresholds required to predict the impact of this variant on POLG protein function. This variant has not been reported in the literature in individuals affected with POLG-related conditions. This variant is present in population databases (rs748622137, gnomAD 0.007%). This sequence change replaces asparagine, which is neutral and polar, with lysine, which is basic and polar, at codon 270 of the POLG protein (p.Asn270Lys).

NM_002693.3(POLG):c.810T>A (p.Asn270Lys)

Gene: POLG (DNA polymerase gamma, catalytic subunit; minus strand). Cytogenetic location: 15q26.1.
Variant type: single nucleotide variant.
Coding change: c.810T>A on transcript NM_002693.3 (MANE Select); coding-DNA position 810, T replaced by A.
Protein change: p.Asn270Lys; replaces asparagine 270 with lysine.
Molecular consequence: missense variant.
Genome position (GRCh38, 1-based): chr15:89,330,126, A>T on the plus strand (T>A on the coding strand, the complement: POLG is on the minus strand). VCF-style: chr15-89330126-A-T. GRCh37 (hg19) VCF-style: chr15-89873357-A-T.
Other names: c.810T>A, p.Asn270Lys (NM_001126131.2); short protein forms N270K.
Identifiers: ClinVar variation 1985051 (VCV001985051.4), dbSNP rs748622137, ClinGen allele CA7725038.